The following is an entry in ClinVar:

ClinVar aggregate classification (germline): Conflicting classifications of pathogenicity. Review status: criteria provided, conflicting classifications (1 of 4 stars). 4 submissions from 4 submitters: Uncertain significance (1); Likely benign (2). 1 of the submissions does not count toward it. Last evaluated 2025-06-24.

Conditions:
COL4A6-related disorder. Also called: COL4A6-related condition.

Allele frequency attached by ClinVar (database versions not stated): gnomAD 0.00004; gnomAD exomes 0.00005; ExAC 0.00015.
gnomAD v4.1: 56 of 1,185,027 alleles (0.0047%); highest among the groups gnomAD compares: South Asian, 0.087%; no homozygotes.

Submissions (4):

Ambry Genetics
Classification: Uncertain significance. Last evaluated: 2025-06-24. Review status: criteria provided, single submitter. Criteria: Ambry Variant Classification Scheme 2023. Collection method: clinical testing. Allele origin: germline.

Labcorp Genetics (formerly Invitae), Labcorp
Classification: Likely benign. Last evaluated: 2024-09-19. Review status: criteria provided, single submitter. Criteria: Invitae Variant Classification Sherloc (09022015). Collection method: clinical testing. Allele origin: germline.

GeneDx
Classification: Likely benign. Last evaluated: 2021-04-30. Review status: criteria provided, single submitter. Criteria: GeneDx Variant Classification Process June 2021. Collection method: clinical testing. Allele origin: germline. Affected: yes.

PreventionGenetics, part of Exact Sciences
Classification: Likely benign for COL4A6-related condition. Last evaluated: 2021-10-12. Review status: no assertion criteria provided. Collection method: clinical testing. Allele origin: germline. Not counted in ClinVar's aggregate classification.
Comment: This variant is classified as likely benign based on ACMG/AMP sequence variant interpretation guidelines (Richards et al. 2015 PMID: 25741868, with internal and published modifications).

NM_033641.4(COL4A6):c.1467C>A (p.Asn489Lys)

Gene: COL4A6 (collagen type IV alpha 6 chain; minus strand). Cytogenetic location: Xq22.3.
Variant type: single nucleotide variant.
Coding change: c.1467C>A on transcript NM_033641.4 (MANE Select); coding-DNA position 1467, C replaced by A.
Protein change: p.Asn489Lys; replaces asparagine 489 with lysine.
Molecular consequence: missense variant.
Genome position (GRCh38, 1-based): chrX:108,188,637, G>T on the plus strand (C>A on the coding strand, the complement: COL4A6 is on the minus strand). VCF-style: chrX-108188637-G-T. GRCh37 (hg19) VCF-style: chrX-107431867-G-T.
Other names: c.1467C>A, p.Asn489Lys (NM_001287758.2, NM_001287759.2, NM_001287760.2); c.1470C>A, p.Asn490Lys (NM_001847.4); c.1470C>A (NM_001847.3, NM_001847.2); short protein forms N489K, N490K.
Identifiers: ClinVar variation 1318336 (VCV001318336.8), dbSNP rs781757715, ClinGen allele CA10487823.